The following is an entry in ClinVar:

NM_003737.4(DCHS1):c.9840A>G (p.Ser3280=)

Gene: DCHS1 (dachsous cadherin-related 1; minus strand). Cytogenetic location: 11p15.4.
Variant type: single nucleotide variant.
Coding change: c.9840A>G on transcript NM_003737.4 (MANE Select); coding-DNA position 9840, A replaced by G.
Protein change: p.Ser3280=; no amino-acid change (serine 3280 retained).
Molecular consequence: synonymous variant.
Genome position (GRCh38, 1-based): chr11:6,621,836, T>C on the plus strand (A>G on the coding strand, the complement: DCHS1 is on the minus strand). VCF-style: chr11-6621836-T-C. GRCh37 (hg19) VCF-style: chr11-6643067-T-C.
Identifiers: ClinVar variation 4085166 (VCV004085166.8).

ClinVar aggregate classification (germline): Likely benign (1 of 4 stars; one submission).

gnomAD v4.1: 1 of 1,609,712 alleles (0.000062%); highest among the groups gnomAD compares: East Asian, 0.0022%; no homozygotes.

Submission:

CeGaT Center for Human Genetics Tuebingen
Classification: Likely benign. Last evaluated: 2025-07-01. Review status: criteria provided, single submitter. Criteria: CeGaT Center For Human Genetics Tuebingen Variant Classification Criteria Version 2. Collection method: clinical testing. Allele origin: germline. Affected: yes. Observed: 1 variant allele.
Comment: DCHS1: BP4, BP7